The following is an entry in ClinVar:

NM_020433.5(JPH2):c.1577C>T (p.Pro526Leu)

Gene: JPH2 (junctophilin 2; minus strand). Cytogenetic location: 20q13.12.
Variant type: single nucleotide variant.
Coding change: c.1577C>T on transcript NM_020433.5 (MANE Select); coding-DNA position 1577, C replaced by T.
Protein change: p.Pro526Leu; replaces proline 526 with leucine.
Molecular consequence: missense variant.
Genome position (GRCh38, 1-based): chr20:44,116,098, G>A on the plus strand (C>T on the coding strand, the complement: JPH2 is on the minus strand). VCF-style: chr20-44116098-G-A. GRCh37 (hg19) VCF-style: chr20-42744738-G-A.
Other names: short protein forms P526L.
Identifiers: ClinVar variation 1433376 (VCV001433376.12), dbSNP rs756327822, ClinGen allele CA9868660.

ClinVar aggregate classification (germline): Uncertain significance. Review status: criteria provided, multiple submitters, no conflicts (2 of 4 stars). 6 submissions from 6 submitters: Uncertain significance (6). Last evaluated 2025-05-22.

Conditions:
Cardiomyopathy, dilated, 2E. Identifiers: MedGen C5561970, MONDO:0030366, OMIM 619492.
Hypertrophic cardiomyopathy 17. Identifiers: MedGen C3151264, MONDO:0013474, OMIM 613873.
JPH2-related disorder. Also called: JPH2-related condition.
Hypertrophic cardiomyopathy. Also called: HYPERTROPHIC MYOCARDIOPATHY. Identifiers: Orphanet 217569, MedGen C0007194, MeSH D002312, MONDO:0005045, HP:0001639.
Cardiovascular phenotype. Identifiers: MedGen CN230736.

Allele frequency attached by ClinVar (database versions not stated): gnomAD exomes 0.00002; gnomAD 0.00003; TOPMed 0.00003; ExAC 0.00009.
gnomAD v4.1: 29 of 1,498,260 alleles (0.0019%); highest among the groups gnomAD compares: East Asian, 0.0026%; no homozygotes.

Submissions (6):

PreventionGenetics, part of Exact Sciences
Classification: Uncertain significance for JPH2-related condition. Last evaluated: 2025-05-22. Review status: criteria provided, single submitter. Criteria: ACMG Guidelines, 2015. Collection method: clinical testing. Allele origin: germline.
Comment: The JPH2 c.1577C>T variant is predicted to result in the amino acid substitution p.Pro526Leu. To our knowledge, this variant has not been reported in the literature. This variant is reported in 0.0072% of alleles in individuals of South Asian descent in gnomAD. At this time, the clinical significance of this variant is uncertain due to the absence of conclusive functional and genetic evidence.

Labcorp Genetics (formerly Invitae), Labcorp
Classification: Uncertain significance for Hypertrophic cardiomyopathy. Last evaluated: 2025-02-28. Review status: criteria provided, single submitter. Criteria: Invitae Variant Classification Sherloc (09022015). Collection method: clinical testing. Allele origin: germline.
Comment: This sequence change replaces proline, which is neutral and non-polar, with leucine, which is neutral and non-polar, at codon 526 of the JPH2 protein (p.Pro526Leu). The frequency data for this variant in the population databases is considered unreliable, as metrics indicate poor data quality at this position in the gnomAD database. This variant has not been reported in the literature in individuals affected with JPH2-related conditions. ClinVar contains an entry for this variant (Variation ID: 1433376). An algorithm developed to predict the effect of missense changes on protein structure and function (PolyPhen-2) suggests that this variant is likely to be disruptive. In summary, the available evidence is currently insufficient to determine the role of this variant in disease. Therefore, it has been classified as a Variant of Uncertain Significance.

Blueprint Genetics
Classification: Uncertain significance. Last evaluated: 2023-11-27. Review status: criteria provided, single submitter. Criteria: ACMG Guidelines, 2015. Collection method: clinical testing. Allele origin: germline.

GeneDx
Classification: Uncertain significance. Last evaluated: 2023-11-17. Review status: criteria provided, single submitter. Criteria: GeneDx Variant Classification Process June 2021. Collection method: clinical testing. Allele origin: germline. Affected: yes.
Comment: Not observed at significant frequency in large population cohorts (gnomAD); In silico analysis supports that this missense variant does not alter protein structure/function; Has not been previously published as pathogenic or benign to our knowledge

Ambry Genetics
Classification: Uncertain significance for Cardiovascular phenotype. Last evaluated: 2022-09-26. Review status: criteria provided, single submitter. Criteria: Ambry Variant Classification Scheme 2023. Collection method: clinical testing. Allele origin: germline.
Comment: The p.P526L variant (also known as c.1577C>T), located in coding exon 4 of the JPH2 gene, results from a C to T substitution at nucleotide position 1577. The proline at codon 526 is replaced by leucine, an amino acid with similar properties. This amino acid position is highly conserved in available vertebrate species. In addition, this alteration is predicted to be tolerated by in silico analysis. Since supporting evidence is limited at this time, the clinical significance of this alteration remains unclear.

Fulgent Genetics
Classification: Uncertain significance for Hypertrophic cardiomyopathy 17; Cardiomyopathy, dilated, 2E. Last evaluated: 2021-10-26. Review status: criteria provided, single submitter. Criteria: ACMG Guidelines, 2015. Collection method: clinical testing. Allele origin: unknown.